The following is an entry in ClinVar:

NM_001172509.2(SATB2):c.678dup (p.Lys227Ter)

Gene: SATB2 (SATB homeobox 2; minus strand). Cytogenetic location: 2q33.1.
Variant type: Duplication.
Coding change: c.678dup on transcript NM_001172509.2 (MANE Select); coding-DNA position 678, one base duplicated (T; older notation c.678dupT).
Protein change: p.Lys227Ter; replaces lysine 227 with a stop codon.
Molecular consequence: nonsense.
Genome position (GRCh38, 1-based): chr2:199,368,627, A duplicated on the plus strand (T on the coding strand, the reverse complement: SATB2 is on the minus strand). VCF-style (leftmost placement, unchanged base first): chr2-199368626-T-TA. GRCh37 (hg19) VCF-style: chr2-200233349-T-TA.
Other names: c.678dup, p.Lys227Ter (NM_001172517.1, NM_015265.4); short protein forms K227*.
Identifiers: ClinVar variation 4850095 (VCV004850095.1).

ClinVar aggregate classification (germline): Pathogenic (1 of 4 stars; one submission).

Conditions:
Chromosome 2q32-q33 deletion syndrome (GLASS). Also called: Glass syndrome; 2q33.1 deletion syndrome. Identifiers: Orphanet 251019, MedGen C2676739, MONDO:0012864, OMIM 612313.

Submission:

Institute for Clinical Genetics, University Hospital TU Dresden, University Hospital TU Dresden
Classification: Pathogenic for Chromosome 2q32-q33 deletion syndrome. Last evaluated: 2024-06-10. Review status: criteria provided, single submitter. Criteria: ACMG Guidelines, 2015. Collection method: clinical testing. Allele origin: germline. Affected: yes.
Comment: The above-mentioned nonsense variant in the SATB2 gene (NM_015265.4:c.678dup, p.(Lys227*)) leads to the occurrence of a premature stop codon and to the termination of translation of the corresponding protein at codon 227 (exon 6 of 10) due to the duplication of a base pair at position 678 of the cDNA. Bioinformatic prediction algorithms for assessing the effect on protein expression estimate the effect of the variant to be very strong (AutoPVS1, 30661751). It is very likely that no protein is produced by the affected allele, as premature degradation of the mRNA via nonsense mediated mRNA decay (NMD) must be expected. This variant is not yet listed in the ClinVar database. This variant has not yet been detected in the population database gnomAD v4.1.0. According to current ACMG recommendations for variant evaluation (PMIDs 25741868, 30192042), the criteria PVS1, PM6 and PM2_SUP are fulfilled, resulting in an evaluation as a pathogenic variant (ACMG class 5).